The following is an entry in ClinVar:

NM_177438.3(DICER1):c.4403C>A (p.Ser1468Tyr)

Gene: DICER1 (dicer 1, ribonuclease III; minus strand). Cytogenetic location: 14q32.13.
Variant type: single nucleotide variant.
Coding change: c.4403C>A on transcript NM_177438.3 (MANE Select); coding-DNA position 4403, C replaced by A.
Protein change: p.Ser1468Tyr; replaces serine 1468 with tyrosine.
Molecular consequence: missense variant. On other transcripts: non-coding transcript variant (6).
Genome position (GRCh38, 1-based): chr14:95,096,517, G>T on the plus strand (C>A on the coding strand, the complement: DICER1 is on the minus strand). VCF-style: chr14-95096517-G-T. GRCh37 (hg19) VCF-style: chr14-95562854-G-T.
Other names: c.4403C>A, p.Ser1468Tyr (NM_001195573.1, NM_001271282.3, NM_001291628.2 and 12 more transcripts); c.4121C>A, p.Ser1374Tyr (NM_001395686.1); c.3998C>A, p.Ser1333Tyr (NM_001395687.1, NM_001395688.1, NM_001395689.1 and 2 more transcripts); c.3836C>A, p.Ser1279Tyr (NM_001395691.1); c.2720C>A, p.Ser907Tyr (NM_001395697.1); short protein forms S1333Y, S1374Y, S1468Y, S1279Y, S907Y.
Identifiers: ClinVar variation 3501902 (VCV003501902.1).

ClinVar aggregate classification (germline): Uncertain significance (1 of 4 stars; one submission).

Conditions:
Hereditary cancer-predisposing syndrome. Also called: Tumor predisposition; Neoplastic Syndromes, Hereditary; Hereditary Cancer Syndrome; Hereditary neoplastic syndrome. Identifiers: Orphanet 140162, MedGen C0027672, MeSH D009386, MONDO:0015356.

Submission:

Ambry Genetics
Classification: Uncertain significance for Hereditary cancer-predisposing syndrome. Last evaluated: 2024-09-08. Review status: criteria provided, single submitter. Criteria: Ambry Variant Classification Scheme 2023. Collection method: clinical testing. Allele origin: germline.
Comment: The p.S1468Y variant (also known as c.4403C>A), located in coding exon 22 of the DICER1 gene, results from a C to A substitution at nucleotide position 4403. The serine at codon 1468 is replaced by tyrosine, an amino acid with dissimilar properties. This amino acid position is conserved. In addition, the in silico prediction for this alteration is inconclusive. Based on the available evidence, the clinical significance of this variant remains unclear.